The following is an entry in ClinVar:

ClinVar aggregate classification (germline): Likely benign. Review status: criteria provided, multiple submitters, no conflicts (2 of 4 stars). 2 submissions from 2 submitters: Likely benign (2). Last evaluated 2026-03-23.

Conditions:
PSTPIP1-related disorder. Also called: PSTPIP1-related condition.
Pyogenic arthritis-pyoderma gangrenosum-acne syndrome (PAPA). Also called: FAMILIAL RECURRENT ARTHRITIS; PAPA SYNDROME. Identifiers: Orphanet 69126, MedGen C1858361, MONDO:0011462, OMIM 604416.

Allele frequency attached by ClinVar (database versions not stated): gnomAD 0.00001 and 0.00002; ExAC 0.00002; gnomAD exomes 0.00002 and 0.00003; TOPMed 0.00002; 1000 Genomes Project 30x 0.00016; 1000 Genomes Project 0.00020.
gnomAD v4.1: 44 of 1,612,596 alleles (0.0027%); highest among the groups gnomAD compares: Non-Finnish European, 0.0034%; no homozygotes.

Submissions (2):

PreventionGenetics, part of Exact Sciences
Classification: Likely benign for PSTPIP1-related condition. Last evaluated: 2026-03-23. Review status: criteria provided, single submitter. Criteria: ACMG Guidelines, 2015. Collection method: clinical testing. Allele origin: germline.
Comment: This variant is classified as likely benign based on ACMG/AMP sequence variant interpretation guidelines (Richards et al. 2015 PMID: 25741868, with internal and published modifications).

Labcorp Genetics (formerly Invitae), Labcorp
Classification: Likely benign for Pyogenic arthritis-pyoderma gangrenosum-acne syndrome. Last evaluated: 2025-07-28. Review status: criteria provided, single submitter. Criteria: Invitae Variant Classification Sherloc (09022015). Collection method: clinical testing. Allele origin: germline.

NM_003978.5(PSTPIP1):c.588G>A (p.Ala196=)

Gene: PSTPIP1 (proline-serine-threonine phosphatase interacting protein 1; plus strand). Cytogenetic location: 15q24.3.
Variant type: single nucleotide variant.
Coding change: c.588G>A on transcript NM_003978.5 (MANE Select); coding-DNA position 588, G replaced by A.
Protein change: p.Ala196=; no amino-acid change (alanine 196 retained).
Molecular consequence: synonymous variant.
Genome position (GRCh38, 1-based): chr15:77,030,527, G>A. VCF-style: chr15-77030527-G-A. GRCh37 (hg19) VCF-style: chr15-77322868-G-A.
Other names: c.588G>A, p.Ala196= (NM_001321135.2); c.561G>A, p.Ala187= (NM_001321136.2); c.783G>A, p.Ala261= (NM_001321137.1); c.588G>A (NM_003978.4).
Identifiers: ClinVar variation 1630625 (VCV001630625.9), dbSNP rs558627384, ClinGen allele CA7675897.